The following is an entry in ClinVar:

NM_005343.4(HRAS):c.343G>A (p.Gly115Arg)

Genes: HRAS (HRas proto-oncogene, GTPase; minus strand), LRRC56 (leucine rich repeat containing 56; plus strand). Cytogenetic location: 11p15.5.
Variant type: single nucleotide variant.
Coding change: c.343G>A on transcript NM_005343.4 (MANE Select); coding-DNA position 343, G replaced by A.
Protein change: p.Gly115Arg; replaces glycine 115 with arginine.
Molecular consequence: missense variant. On other transcripts: nonsense (1).
Genome position (GRCh38, 1-based): chr11:533,560, C>T on the plus strand (G>A on the coding strand, the complement: HRAS is on the minus strand). VCF-style: chr11-533560-C-T. GRCh37 (hg19) VCF-style: chr11-533560-C-T.
Other names: c.343G>A, p.Gly115Arg (NM_001130442.3, NM_176795.5); c.24G>A, p.Trp8Ter (NM_001318054.2); short protein forms G115R, W8*.
Identifiers: ClinVar variation 2983589 (VCV002983589.3), dbSNP rs917210997, ClinGen allele CA216882718.

ClinVar aggregate classification (germline): Uncertain significance (1 of 4 stars; one submission).

Conditions:
Costello syndrome (CSTLO). Also called: FCS SYNDROME; FACIOCUTANEOSKELETAL SYNDROME; HRAS-Related Costello Syndrome. Identifiers: Orphanet 3071, MedGen C0587248, MONDO:0009026, OMIM 218040.

Allele frequency attached by ClinVar (database versions not stated): TOPMed below 0.00001.

Submission:

Labcorp Genetics (formerly Invitae), Labcorp
Classification: Uncertain significance for Costello syndrome. Last evaluated: 2023-07-07. Review status: criteria provided, single submitter. Criteria: Invitae Variant Classification Sherloc (09022015). Collection method: clinical testing. Allele origin: germline.
Comment: This variant is not present in population databases (gnomAD no frequency). In summary, the available evidence is currently insufficient to determine the role of this variant in disease. Therefore, it has been classified as a Variant of Uncertain Significance. Advanced modeling of protein sequence and biophysical properties (such as structural, functional, and spatial information, amino acid conservation, physicochemical variation, residue mobility, and thermodynamic stability) performed at Invitae indicates that this missense variant is expected to disrupt HRAS protein function. This variant has not been reported in the literature in individuals affected with HRAS-related conditions. This sequence change replaces glycine, which is neutral and non-polar, with arginine, which is basic and polar, at codon 115 of the HRAS protein (p.Gly115Arg).